The following is an entry in ClinVar:

ClinVar aggregate classification (germline): Pathogenic (0 of 4 stars; one submission).

Conditions:
CHD7-related disorder. Also called: CHD7-related condition.

Submission:

PreventionGenetics, part of Exact Sciences
Classification: Pathogenic for CHD7-related condition. Last evaluated: 2023-10-27. Review status: no assertion criteria provided. Collection method: clinical testing. Allele origin: germline.
Comment: The CHD7 c.5665+1G>A variant is predicted to disrupt the GT donor site and interfere with normal splicing. To our knowledge, this variant has not been reported in the literature or in a large population database, indicating this variant is rare. Another variant at the same nucleotide has been reported in at least two individuals with intellectual disability and/or CHARGE syndrome (Table S3, Grozeva et al. 2015. PubMed ID: 26350204; Villate et al. 2018. PubMed ID: 29434620). Variants that disrupt the consensus splice donor site in CHD7 are expected to be pathogenic. This variant is interpreted as pathogenic.

NM_017780.4(CHD7):c.5665+1G>A

Gene: CHD7 (chromodomain helicase DNA binding protein 7; plus strand). Cytogenetic location: 8q12.2.
Variant type: single nucleotide variant.
Coding change: c.5665+1G>A on transcript NM_017780.4 (MANE Select); the canonical splice donor site of the intron after coding-DNA position 5665, G replaced by A.
Molecular consequence: splice donor variant. On other transcripts: intron variant (1).
Genome position (GRCh38, 1-based): chr8:60,851,320, G>A. VCF-style: chr8-60851320-G-A. GRCh37 (hg19) VCF-style: chr8-61763879-G-A.
Other names: c.1717-10909G>A (NM_001316690.1).
Identifiers: ClinVar variation 3040434 (VCV003040434.2), dbSNP rs2488024296, ClinGen allele CA371322269.
Genomic context (GRCh38, chr8:60,851,320, plus strand): 5'-AGGAATTTGCAAATTCTCCTTCAGAGGATAAGGAAGAATCCATGGAAATACATGCCACAG[G>A]TAAGGTCCCAGAAAAGCTTGTGTAGCCGAGCAGACGTGCACTGAGCAGTCATTGTTCACG-3'